The following is an entry in ClinVar:

NM_002454.3(MTRR):c.958A>G (p.Ser320Gly)

Gene: MTRR (5-methyltetrahydrofolate-homocysteine methyltransferase reductase; plus strand). Cytogenetic location: 5p15.31.
Variant type: single nucleotide variant.
Coding change: c.958A>G on transcript NM_002454.3 (MANE Select); coding-DNA position 958, A replaced by G.
Protein change: p.Ser320Gly; replaces serine 320 with glycine.
Molecular consequence: missense variant. On other transcripts: non-coding transcript variant (14).
Genome position (GRCh38, 1-based): chr5:7,885,755, A>G. VCF-style: chr5-7885755-A-G. GRCh37 (hg19) VCF-style: chr5-7885868-A-G.
Other names: c.958A>G, p.Ser320Gly (NM_001364440.2, NM_001364441.2, NM_001364442.2 and 1 more transcripts); c.958A>G (NM_002454.2); short protein forms S320G.
Identifiers: ClinVar variation 1147563 (VCV001147563.11), dbSNP rs199762141, ClinGen allele CA3195776.
Genomic context (GRCh38, chr5:7,885,755, plus strand): 5'-CTCTAGAATACAGACTTTTCCTATCAGCCTGGAGATGCCTTCAGCGTGATCTGCCCTAAC[A>G]GTGATTCTGAGGTACAAAGCCTACTCCAAAGACTGCAGCTTGAAGATAAAAGAGAGCACT-3'
Protein context (NP_002445.2, residues 310-330): GDAFSVICPN[Ser320Gly]DSEVQSLLQR

ClinVar aggregate classification (germline): Likely benign. Review status: criteria provided, single submitter (1 of 4 stars). 2 submissions from 2 submitters: Likely benign (1). 1 of the submissions does not count toward it. Last evaluated 2025-12-22.

Conditions:
MTRR-related disorder. Also called: MTRR-related condition.
Methylcobalamin deficiency type cblE (HMAE). Also called: VITAMIN B12-RESPONSIVE HOMOCYSTINURIA, cblE TYPE; HOMOCYSTINURIA-MEGALOBLASTIC ANEMIA, cblE COMPLEMENTATION TYPE; HOMOCYSTINURIA-MEGALOBLASTIC ANEMIA, cblE TYPE. Identifiers: Orphanet 2169, Orphanet 622, MedGen C1856057, MONDO:0009354, OMIM 236270.

Allele frequency attached by ClinVar (database versions not stated): TOPMed 0.00002; gnomAD exomes 0.00022 and 0.00048; 1000 Genomes Project 30x 0.00031; ExAC 0.00034; 1000 Genomes Project 0.00040; gnomAD 0.00042 and 0.00044.

Submissions (2):

Labcorp Genetics (formerly Invitae), Labcorp
Classification: Likely benign for Methylcobalamin deficiency type cblE. Last evaluated: 2025-12-22. Review status: criteria provided, single submitter. Criteria: Invitae Variant Classification Sherloc (09022015). Collection method: clinical testing. Allele origin: germline.

PreventionGenetics, part of Exact Sciences
Classification: Likely benign for MTRR-related condition. Last evaluated: 2020-10-14. Review status: no assertion criteria provided. Collection method: clinical testing. Allele origin: germline. Not counted in ClinVar's aggregate classification.
Comment: This variant is classified as likely benign based on ACMG/AMP sequence variant interpretation guidelines (Richards et al. 2015 PMID: 25741868, with internal and published modifications).